The following is an entry in ClinVar:

NM_001243439.2(SPECC1):c.2326G>A (p.Val776Met)

Gene: SPECC1 (sperm antigen with calponin homology and coiled-coil domains 1; plus strand). Cytogenetic location: 17p11.2.
Variant type: single nucleotide variant.
Coding change: c.2326G>A on transcript NM_001243439.2 (MANE Select); coding-DNA position 2326, G replaced by A.
Protein change: p.Val776Met; replaces valine 776 with methionine.
Molecular consequence: missense variant.
Genome position (GRCh38, 1-based): chr17:20,232,380, G>A. VCF-style: chr17-20232380-G-A. GRCh37 (hg19) VCF-style: chr17-20135693-G-A.
Other names: c.2326G>A, p.Val776Met (NM_001033553.3, NM_001386079.1, NM_001386081.1 and 4 more transcripts); c.2083G>A, p.Val695Met (NM_001033554.3, NM_001033555.3, NM_001243438.2); c.346G>A, p.Val116Met (NM_001386077.2); c.844G>A, p.Val282Met (NM_001386078.2); c.1654G>A, p.Val552Met (NM_001386080.1); c.2350G>A, p.Val784Met (NM_001386084.1); short protein forms V116M, V282M, V552M, V695M, V776M, V784M.
Identifiers: ClinVar variation 2647566 (VCV002647566.24), dbSNP rs145743421, ClinGen allele CA8446748.

ClinVar aggregate classification (germline): Likely benign (1 of 4 stars; one submission).

Allele frequency attached by ClinVar (database versions not stated): ESP Exome Variant Server 0.00062; TOPMed 0.00079; gnomAD 0.00084; 1000 Genomes Project 30x 0.00109; 1000 Genomes Project 0.00140; ExAC 0.00224.
gnomAD v4.1: 1,812 of 1,612,464 alleles (0.11%); highest among the groups gnomAD compares: Middle Eastern, 1.9%; 21 homozygotes.

Submission:

CeGaT Center for Human Genetics Tuebingen
Classification: Likely benign. Last evaluated: 2023-03-01. Review status: criteria provided, single submitter. Criteria: CeGaT Center For Human Genetics Tuebingen Variant Classification Criteria Version 2. Collection method: clinical testing. Allele origin: germline. Affected: yes. Observed: 1 variant allele.
Comment: SPECC1: BP4, BS2